The following is an entry in ClinVar:

ClinVar aggregate classification (germline): Likely benign. Review status: criteria provided, multiple submitters, no conflicts (2 of 4 stars). 5 submissions from 5 submitters: Likely benign (4). 1 of the submissions does not count toward it. Last evaluated 2025-12-27.

Conditions:
FANCE-related disorder. Also called: FANCE-related condition.
Fanconi anemia complementation group E (FANCE). Also called: FANCE-Related Fanconi Anemia. Identifiers: Orphanet 84, MedGen C3160739, MONDO:0010953, OMIM 600901.

Allele frequency attached by ClinVar (database versions not stated): gnomAD exomes 0.00003; gnomAD 0.00018 and 0.00020; TOPMed 0.00022; ExAC 0.00055.
gnomAD v4.1: 66 of 1,315,220 alleles (0.005%); highest among the groups gnomAD compares: African/African-American, 0.052%; no homozygotes.

Submissions (5):

Labcorp Genetics (formerly Invitae), Labcorp
Classification: Likely benign for Fanconi anemia complementation group E. Last evaluated: 2025-12-27. Review status: criteria provided, single submitter. Criteria: Invitae Variant Classification Sherloc (09022015). Collection method: clinical testing. Allele origin: germline.

CeGaT Center for Human Genetics Tuebingen
Classification: Likely benign. Last evaluated: 2025-09-01. Review status: criteria provided, single submitter. Criteria: CeGaT Center For Human Genetics Tuebingen Variant Classification Criteria Version 2. Collection method: clinical testing. Allele origin: germline. Affected: yes. Observed: 1 variant allele.
Comment: FANCE: BP4, BP7

Blueprint Genetics
Classification: Likely benign. Last evaluated: 2024-09-11. Review status: criteria provided, single submitter. Criteria: ACMG Guidelines, 2015. Collection method: clinical testing. Allele origin: germline.

KCCC/NGS Laboratory, Kuwait Cancer Control Center
Classification: Likely benign for Fanconi anemia complementation group E. Last evaluated: 2023-07-07. Review status: criteria provided, single submitter. Criteria: ACMG Guidelines, 2015. Collection method: clinical testing. Allele origin: germline. Affected: yes.

PreventionGenetics, part of Exact Sciences
Classification: Likely benign for FANCE-related condition. Last evaluated: 2021-10-30. Review status: no assertion criteria provided. Collection method: clinical testing. Allele origin: germline. Not counted in ClinVar's aggregate classification.
Comment: This variant is classified as likely benign based on ACMG/AMP sequence variant interpretation guidelines (Richards et al. 2015 PMID: 25741868, with internal and published modifications).

NM_021922.3(FANCE):c.246G>A (p.Glu82=)

Genes: FANCE (FA complementation group E; plus strand), LOC129996245 (ATAC-STARR-seq lymphoblastoid silent region 17092; plus strand). Cytogenetic location: 6p21.31.
Variant type: single nucleotide variant.
Coding change: c.246G>A on transcript NM_021922.3 (MANE Select); coding-DNA position 246, G replaced by A.
Protein change: p.Glu82=; no amino-acid change (glutamic acid 82 retained).
Molecular consequence: synonymous variant.
Genome position (GRCh38, 1-based): chr6:35,452,791, G>A. VCF-style: chr6-35452791-G-A. GRCh37 (hg19) VCF-style: chr6-35420568-G-A.
Identifiers: ClinVar variation 414820 (VCV000414820.22), dbSNP rs769779495, ClinGen allele CA3771353.